The following is an entry in ClinVar:

NM_000890.5(KCNJ5):c.224G>A (p.Ser75Asn)

Gene: KCNJ5 (potassium inwardly rectifying channel subfamily J member 5; plus strand). Cytogenetic location: 11q24.3.
Variant type: single nucleotide variant.
Coding change: c.224G>A on transcript NM_000890.5 (MANE Select); coding-DNA position 224, G replaced by A.
Protein change: p.Ser75Asn; replaces serine 75 with asparagine.
Molecular consequence: missense variant.
Genome position (GRCh38, 1-based): chr11:128,911,497, G>A. VCF-style: chr11-128911497-G-A. GRCh37 (hg19) VCF-style: chr11-128781392-G-A.
Other names: c.224G>A, p.Ser75Asn (NM_001354169.2); short protein forms S75N.
Identifiers: ClinVar variation 1476591 (VCV001476591.12), dbSNP rs892317617, ClinGen allele CA230640418.
Genomic context (GRCh38, chr11:128,911,497, plus strand): 5'-AGAAGAGTGGCAAGTGCAACGTGCACCACGGCAACGTCCAGGAGACCTACCGGTACCTGA[G>A]TGACCTCTTCACCACCCTGGTGGACCTCAAGTGGCGCTTCAACTTGCTCGTCTTCACCAT-3'
Protein context (NP_000881.3, residues 65-85): GNVQETYRYL[Ser75Asn]DLFTTLVDLK

ClinVar aggregate classification (germline): Uncertain significance. Review status: criteria provided, multiple submitters, no conflicts (2 of 4 stars). 3 submissions from 3 submitters: Uncertain significance (3). Last evaluated 2024-05-09.

Conditions:
Long QT syndrome 13 (LQT13). Identifiers: Orphanet 101016, Orphanet 768, MedGen C3150733, MONDO:0013279, OMIM 613485.
Familial hyperaldosteronism type III. Also called: Familial hyperaldosteronism type 3; FH III. Identifiers: Orphanet 251274, MedGen C3838758, MONDO:0013359, OMIM 613677.
Cardiovascular phenotype. Identifiers: MedGen CN230736.
Long QT syndrome (LQTS). Identifiers: MedGen C0023976, MeSH D008133, MONDO:0002442. Disease mechanism: loss of function. Inheritance: Various modes of inheritance.

Allele frequency attached by ClinVar (database versions not stated): gnomAD exomes 0.00001; gnomAD 0.00003; TOPMed 0.00005.
gnomAD v4.1: 14 of 1,614,132 alleles (0.00087%); highest among the groups gnomAD compares: Admixed American, 0.012%; no homozygotes.

Submissions (3):

Fulgent Genetics
Classification: Uncertain significance for Long QT syndrome 13; Familial hyperaldosteronism type III. Last evaluated: 2024-05-09. Review status: criteria provided, single submitter. Criteria: ACMG Guidelines, 2015. Collection method: clinical testing. Allele origin: germline.

Labcorp Genetics (formerly Invitae), Labcorp
Classification: Uncertain significance for Long QT syndrome. Last evaluated: 2023-08-10. Review status: criteria provided, single submitter. Criteria: Invitae Variant Classification Sherloc (09022015). Collection method: clinical testing. Allele origin: germline.
Comment: ClinVar contains an entry for this variant (Variation ID: 1476591). In summary, the available evidence is currently insufficient to determine the role of this variant in disease. Therefore, it has been classified as a Variant of Uncertain Significance. Advanced modeling of protein sequence and biophysical properties (such as structural, functional, and spatial information, amino acid conservation, physicochemical variation, residue mobility, and thermodynamic stability) performed at Invitae indicates that this missense variant is not expected to disrupt KCNJ5 protein function. This variant has not been reported in the literature in individuals affected with KCNJ5-related conditions. This variant is present in population databases (no rsID available, gnomAD 0.003%). This sequence change replaces serine, which is neutral and polar, with asparagine, which is neutral and polar, at codon 75 of the KCNJ5 protein (p.Ser75Asn).

Ambry Genetics
Classification: Uncertain significance for Cardiovascular phenotype. Last evaluated: 2021-02-08. Review status: criteria provided, single submitter. Criteria: Ambry Variant Classification Scheme 2023. Collection method: clinical testing. Allele origin: germline.
Comment: The p.S75N variant (also known as c.224G>A), located in coding exon 1 of the KCNJ5 gene, results from a G to A substitution at nucleotide position 224. The serine at codon 75 is replaced by asparagine, an amino acid with highly similar properties. This variant was detected in a primary aldosteronism cohort, however additional cardiac details were not provided (Gagnon N et al. J Clin Endocrinol Metab, 2018 08;103:2926-2935). This amino acid position is highly conserved in available vertebrate species. In addition, the in silico prediction for this alteration is inconclusive. Since supporting evidence is limited at this time, the clinical significance of this alteration remains unclear.

Literature cited by the submitters: PubMed 29726953 (cited by Ambry Genetics).